The following is an entry in ClinVar:

NM_006618.5(KDM5B):c.4475G>C (p.Cys1492Ser)

Gene: KDM5B (lysine demethylase 5B; minus strand). Cytogenetic location: 1q32.1.
Variant type: single nucleotide variant.
Coding change: c.4475G>C on transcript NM_006618.5 (MANE Select); coding-DNA position 4475, G replaced by C.
Protein change: p.Cys1492Ser; replaces cysteine 1492 with serine.
Molecular consequence: missense variant.
Genome position (GRCh38, 1-based): chr1:202,729,729, C>G on the plus strand (G>C on the coding strand, the complement: KDM5B is on the minus strand). VCF-style: chr1-202729729-C-G. GRCh37 (hg19) VCF-style: chr1-202698857-C-G.
Other names: c.4583G>C, p.Cys1528Ser (NM_001314042.2); c.4340G>C, p.Cys1447Ser (NM_001347591.2); c.4460G>C, p.Cys1487Ser (NM_001399817.1); short protein forms C1447S, C1487S, C1492S, C1528S.
Identifiers: ClinVar variation 3764389 (VCV003764389.2).
Genomic context (GRCh38, chr1:202,729,729, plus strand): 5'-AGGGAAAGCACGTCCTCTATGGCCCAAACCTCACTGACCTCATCTCCTTCTGGCTGCAGG[C>G]AGCTCACAGCTGGGCAGATGGCATCTTCATCCTCAGAGTCTTCCTGTTCGGAATAGGATG-3'
Protein context (NP_006609.3, residues 1482-1502): DEDAICPAVS[Cys1492Ser]LQPEGDEVDW

ClinVar aggregate classification (germline): Uncertain significance (1 of 4 stars; one submission).

gnomAD v4.1: 2 of 1,613,508 alleles (0.00012%); highest among the groups gnomAD compares: East Asian, 0.0022%; no homozygotes.

Submission:

GeneDx
Classification: Uncertain significance. Last evaluated: 2026-08-30. Review status: criteria provided, single submitter. Criteria: GeneDx Variant Classification Process June 2021. Collection method: clinical testing. Allele origin: germline.
Comment: Not observed at significant frequency in large population cohorts (gnomAD); In silico analysis supports that this missense variant has a deleterious effect on protein structure/function; Has not been previously published as pathogenic or benign to our knowledge